The following is an entry in ClinVar:

NM_001378778.1(MPDZ):c.5661T>A (p.Asp1887Glu)

Gene: MPDZ (multiple PDZ domain crumbs cell polarity complex component; minus strand). Cytogenetic location: 9p23.
Variant type: single nucleotide variant.
Coding change: c.5661T>A on transcript NM_001378778.1 (MANE Select); coding-DNA position 5661, T replaced by A.
Protein change: p.Asp1887Glu; replaces aspartic acid 1887 with glutamic acid.
Molecular consequence: missense variant.
Genome position (GRCh38, 1-based): chr9:13,112,087, A>T on the plus strand (T>A on the coding strand, the complement: MPDZ is on the minus strand). VCF-style: chr9-13112087-A-T. GRCh37 (hg19) VCF-style: chr9-13112086-A-T.
Other names: c.5562T>A, p.Asp1854Glu (NM_001261406.2, NM_001375416.1, NM_001375417.1 and 1 more transcripts); c.5475T>A, p.Asp1825Glu (NM_001261407.2, NM_001375419.1); c.5661T>A, p.Asp1887Glu (NM_001330637.2); c.5760T>A, p.Asp1920Glu (NM_001375413.1); c.5451T>A, p.Asp1817Glu (NM_001375420.1, NM_001375421.1, NM_001375422.1 and 2 more transcripts); c.5364T>A, p.Asp1788Glu (NM_001375425.1, NM_001375426.1); c.5253T>A, p.Asp1751Glu (NM_001375427.1); c.5574T>A, p.Asp1858Glu (NM_003829.5); short protein forms D1751E, D1825E, D1788E, D1817E, D1887E, D1854E, D1858E, D1920E.
Identifiers: ClinVar variation 2015607 (VCV002015607.4), dbSNP rs370455521, ClinGen allele CA4986161.

ClinVar aggregate classification (germline): Uncertain significance (1 of 4 stars; one submission).

Allele frequency attached by ClinVar (database versions not stated): gnomAD exomes below 0.00001; TOPMed below 0.00001; ExAC 0.00002; ESP Exome Variant Server 0.00008.
gnomAD v4.1: 6 of 1,613,552 alleles (0.00037%); highest among the groups gnomAD compares: East Asian, 0.0022%; no homozygotes.

Submission:

Labcorp Genetics (formerly Invitae), Labcorp
Classification: Uncertain significance. Last evaluated: 2022-07-09. Review status: criteria provided, single submitter. Criteria: Invitae Variant Classification Sherloc (09022015). Collection method: clinical testing. Allele origin: germline.
Comment: In summary, the available evidence is currently insufficient to determine the role of this variant in disease. Therefore, it has been classified as a Variant of Uncertain Significance. Algorithms developed to predict the effect of missense changes on protein structure and function are either unavailable or do not agree on the potential impact of this missense change (SIFT: "Deleterious"; PolyPhen-2: "Probably Damaging"; Align-GVGD: "Class C0"). This variant has not been reported in the literature in individuals affected with MPDZ-related conditions. This variant is present in population databases (rs370455521, gnomAD 0.003%). This sequence change replaces aspartic acid, which is acidic and polar, with glutamic acid, which is acidic and polar, at codon 1858 of the MPDZ protein (p.Asp1858Glu).